The following is an entry in ClinVar:

ClinVar aggregate classification (germline): Uncertain significance (1 of 4 stars; one submission).

Submission:

Ambry Genetics
Classification: Uncertain significance. Last evaluated: 2025-01-16. Review status: criteria provided, single submitter. Criteria: Ambry Variant Classification Scheme 2023. Collection method: clinical testing. Allele origin: germline.
Comment: The p.L720P variant (also known as c.2159T>C), located in coding exon 12 of the ATRIP gene, results from a T to C substitution at nucleotide position 2159. The leucine at codon 720 is replaced by proline, an amino acid with similar properties. This amino acid position is conserved. In addition, this alteration is predicted to be deleterious by in silico analysis. Based on the available evidence, the clinical significance of this variant remains unclear.

NM_130384.3(ATRIP):c.2159T>C (p.Leu720Pro)

Genes: ATRIP (ATR interacting protein; plus strand), ATRIP-TREX1 (ATRIP-TREX1 readthrough; plus strand). Cytogenetic location: 3p21.31.
Variant type: single nucleotide variant.
Coding change: c.2159T>C on transcript NM_130384.3 (MANE Select); coding-DNA position 2159, T replaced by C.
Protein change: p.Leu720Pro; replaces leucine 720 with proline.
Molecular consequence: missense variant. On other transcripts: non-coding transcript variant (1).
Genome position (GRCh38, 1-based): chr3:48,464,934, T>C. VCF-style: chr3-48464934-T-C. GRCh37 (hg19) VCF-style: chr3-48506333-T-C.
Other names: c.1778T>C, p.Leu593Pro (NM_001271022.2); c.1880T>C, p.Leu627Pro (NM_001271023.2); c.2078T>C, p.Leu693Pro (NM_032166.4); short protein forms L593P, L627P, L693P, L720P.
Identifiers: ClinVar variation 3809914 (VCV003809914.1).